The following is an entry in ClinVar:

NM_004393.6(DAG1):c.1569C>G (p.Phe523Leu)

Gene: DAG1 (dystroglycan 1; plus strand). Cytogenetic location: 3p21.31.
Variant type: single nucleotide variant.
Coding change: c.1569C>G on transcript NM_004393.6 (MANE Select); coding-DNA position 1569, C replaced by G.
Protein change: p.Phe523Leu; replaces phenylalanine 523 with leucine.
Molecular consequence: missense variant.
Genome position (GRCh38, 1-based): chr3:49,532,080, C>G. VCF-style: chr3-49532080-C-G. GRCh37 (hg19) VCF-style: chr3-49569513-C-G.
Other names: c.1569C>G, p.Phe523Leu (NM_001165928.4, NM_001177634.3, NM_001177635.3 and 9 more transcripts); short protein forms F523L.
Identifiers: ClinVar variation 1510681 (VCV001510681.6), dbSNP rs1240708570, ClinGen allele CA352795662.

ClinVar aggregate classification (germline): Uncertain significance (1 of 4 stars; one submission).

Conditions:
Muscular dystrophy-dystroglycanopathy (congenital with brain and eye anomalies), type A9. Also called: Muscular dystrophy-dystroglycanopathy (congenital with brain and eye anomalies), type a, 9; WALKER-WARBURG SYNDROME OR MUSCLE-EYE BRAIN DISEASE, DAG1-RELATED. Identifiers: Orphanet 370997, Orphanet 899, MedGen C4225291, MONDO:0014683, OMIM 616538.
Autosomal recessive limb-girdle muscular dystrophy type 2P. Also called: Limb-Girdle Muscular Dystrophy Type 9C; MUSCULAR DYSTROPHY, LIMB-GIRDLE, TYPE 2P; MUSCULAR DYSTROPHY-DYSTROGLYCANOPATHY, LIMB-GIRDLE, DAG1-RELATED. Identifiers: Orphanet 280333, MedGen C4511963, MONDO:0013440, OMIM 613818.

Submission:

Labcorp Genetics (formerly Invitae), Labcorp
Classification: Uncertain significance for Autosomal recessive limb-girdle muscular dystrophy type 2P; Muscular dystrophy-dystroglycanopathy (congenital with brain and eye anomalies), type A9. Last evaluated: 2021-08-06. Review status: criteria provided, single submitter. Criteria: Invitae Variant Classification Sherloc (09022015). Collection method: clinical testing. Allele origin: germline.
Comment: In summary, the available evidence is currently insufficient to determine the role of this variant in disease. Therefore, it has been classified as a Variant of Uncertain Significance. Algorithms developed to predict the effect of missense changes on protein structure and function are either unavailable or do not agree on the potential impact of this missense change (SIFT: "Deleterious"; PolyPhen-2: "Probably Damaging"; Align-GVGD: "Class C0"). This variant has not been reported in the literature in individuals affected with DAG1-related conditions. This variant is not present in population databases (ExAC no frequency). This sequence change replaces phenylalanine with leucine at codon 523 of the DAG1 protein (p.Phe523Leu). The phenylalanine residue is highly conserved and there is a small physicochemical difference between phenylalanine and leucine.